The following is an entry in ClinVar:

NM_002471.4(MYH6):c.5581A>G (p.Lys1861Glu)

Gene: MYH6 (myosin heavy chain 6; minus strand). Cytogenetic location: 14q11.2.
Variant type: single nucleotide variant.
Coding change: c.5581A>G on transcript NM_002471.4 (MANE Select); coding-DNA position 5581, A replaced by G.
Protein change: p.Lys1861Glu; replaces lysine 1861 with glutamic acid.
Molecular consequence: missense variant.
Genome position (GRCh38, 1-based): chr14:23,383,305, T>C on the plus strand (A>G on the coding strand, the complement: MYH6 is on the minus strand). VCF-style: chr14-23383305-T-C. GRCh37 (hg19) VCF-style: chr14-23852514-T-C.
Other names: short protein forms K1861E.
Identifiers: ClinVar variation 2605808 (VCV002605808.2), dbSNP rs1890914926, ClinGen allele CA388983403.

ClinVar aggregate classification (germline): Uncertain significance (1 of 4 stars; one submission).

Conditions:
Cardiovascular phenotype. Identifiers: MedGen CN230736.

Submission:

Ambry Genetics
Classification: Uncertain significance for Cardiovascular phenotype. Last evaluated: 2023-12-22. Review status: criteria provided, single submitter. Criteria: Ambry Variant Classification Scheme 2023. Collection method: clinical testing. Allele origin: germline.
Comment: The p.K1861E variant (also known as c.5581A>G), located in coding exon 35 of the MYH6 gene, results from an A to G substitution at nucleotide position 5581. The lysine at codon 1861 is replaced by glutamic acid, an amino acid with similar properties. This amino acid position is conserved. In addition, this alteration is predicted to be deleterious by in silico analysis. Since supporting evidence is limited at this time, the clinical significance of this alteration remains unclear.